The following is an entry in ClinVar:

NM_052874.5(STX1B):c.848G>T (p.Gly283Val)

Gene: STX1B (syntaxin 1B; minus strand). Cytogenetic location: 16p11.2.
Variant type: single nucleotide variant.
Coding change: c.848G>T on transcript NM_052874.5 (MANE Select); coding-DNA position 848, G replaced by T.
Protein change: p.Gly283Val; replaces glycine 283 with valine.
Molecular consequence: missense variant.
Genome position (GRCh38, 1-based): chr16:30,992,840, C>A on the plus strand (G>T on the coding strand, the complement: STX1B is on the minus strand). VCF-style: chr16-30992840-C-A. GRCh37 (hg19) VCF-style: chr16-31004161-C-A.
Other names: short protein forms G283V.
Identifiers: ClinVar variation 653738 (VCV000653738.8), dbSNP rs773649592, ClinGen allele CA8018221.

ClinVar aggregate classification (germline): Uncertain significance (1 of 4 stars; one submission).

Conditions:
Generalized epilepsy with febrile seizures plus, type 9 (GEFSP9). Also called: GEFS+, TYPE 9. Identifiers: Orphanet 36387, MedGen C4015395, MONDO:0014517, OMIM 616172.

Allele frequency attached by ClinVar (database versions not stated): ExAC 0.00001; gnomAD 0.00001.

Submission:

Labcorp Genetics (formerly Invitae), Labcorp
Classification: Uncertain significance for Generalized epilepsy with febrile seizures plus, type 9. Last evaluated: 2020-02-18. Review status: criteria provided, single submitter. Criteria: Invitae Variant Classification Sherloc (09022015). Collection method: clinical testing. Allele origin: germline.
Comment: This variant is present in population databases (rs773649592, ExAC 0.002%). This variant has not been reported in the literature in individuals with STX1B-related disease. Algorithms developed to predict the effect of missense changes on protein structure and function are either unavailable or do not agree on the potential impact of this missense change (SIFT: "Tolerated"; PolyPhen-2: "Possibly Damaging"; Align-GVGD: "Class C0"). In summary, the available evidence is currently insufficient to determine the role of this variant in disease. Therefore, it has been classified as a Variant of Uncertain Significance. This sequence change replaces glycine with valine at codon 283 of the STX1B protein (p.Gly283Val). The glycine residue is moderately conserved and there is a moderate physicochemical difference between glycine and valine.